The following is an entry in ClinVar:

NM_001375567.1(FOCAD):c.2625+3A>C

Gene: FOCAD (focadhesin; plus strand). Cytogenetic location: 9p21.3.
Variant type: single nucleotide variant.
Coding change: c.2625+3A>C on transcript NM_001375567.1 (MANE Select); 3 bases into the intron after coding-DNA position 2625, A replaced by C.
Molecular consequence: intron variant.
Genome position (GRCh38, 1-based): chr9:20,885,233, A>C. VCF-style: chr9-20885233-A-C. GRCh37 (hg19) VCF-style: chr9-20885232-A-C.
Other names: c.2625+3A>C (NM_017794.5); c.2520+3A>C (NM_001375568.1, NM_001375570.1).
Identifiers: ClinVar variation 5018565 (VCV005018565.2).

ClinVar aggregate classification (germline): Uncertain significance (1 of 4 stars; one submission).

Conditions:
Liver disease, severe congenital (SCOLIV). Also called: FOCAD DEFICIENCY. Identifiers: MedGen C5774195, MONDO:0859273, OMIM 619991.

Submission:

Juno Genomics, Hangzhou Juno Genomics, Inc
Classification: Uncertain significance for Liver disease, severe congenital. Review status: criteria provided, single submitter. Criteria: ACMG Guidelines, 2015. Collection method: clinical testing. Allele origin: germline.
Comment: Absent from controls (or at extremely low frequency if recessive) in Genome Aggregation Database.;Multiple lines of computational evidence support a deleterious effect on the gene or gene product.